The following is an entry in ClinVar:

ClinVar aggregate classification (germline): Uncertain significance (1 of 4 stars; one submission).

Conditions:
Long QT syndrome (LQTS). Identifiers: MedGen C0023976, MeSH D008133, MONDO:0002442. Disease mechanism: loss of function. Inheritance: Various modes of inheritance.

Allele frequency attached by ClinVar (database versions not stated): gnomAD exomes below 0.00001.
gnomAD v4.1: 2 of 1,613,958 alleles (0.00012%); highest among the groups gnomAD compares: Non-Finnish European, 0.00017%; no homozygotes.

Submission:

Labcorp Genetics (formerly Invitae), Labcorp
Classification: Uncertain significance for Long QT syndrome. Last evaluated: 2023-07-12. Review status: criteria provided, single submitter. Criteria: Invitae Variant Classification Sherloc (09022015). Collection method: clinical testing. Allele origin: germline.
Comment: In summary, the available evidence is currently insufficient to determine the role of this variant in disease. Therefore, it has been classified as a Variant of Uncertain Significance. This sequence change replaces arginine, which is basic and polar, with glycine, which is neutral and non-polar, at codon 1463 of the AKAP9 protein (p.Arg1463Gly). This variant is not present in population databases (gnomAD no frequency). This variant has not been reported in the literature in individuals affected with AKAP9-related conditions. An algorithm developed to predict the effect of missense changes on protein structure and function (PolyPhen-2) suggests that this variant is likely to be disruptive.

NM_005751.5(AKAP9):c.4387A>G (p.Arg1463Gly)

Gene: AKAP9 (A-kinase anchoring protein 9; plus strand). Cytogenetic location: 7q21.2.
Variant type: single nucleotide variant.
Coding change: c.4387A>G on transcript NM_005751.5 (MANE Select); coding-DNA position 4387, A replaced by G.
Protein change: p.Arg1463Gly; replaces arginine 1463 with glycine.
Molecular consequence: missense variant.
Genome position (GRCh38, 1-based): chr7:92,038,467, A>G. VCF-style: chr7-92038467-A-G. GRCh37 (hg19) VCF-style: chr7-91667781-A-G.
Other names: c.4387A>G, p.Arg1463Gly (NM_147185.3); short protein forms R1463G.
Identifiers: ClinVar variation 2727395 (VCV002727395.3), dbSNP rs2484807595, ClinGen allele CA368128638.